The following is an entry in ClinVar:

NM_001349.4(DARS1):c.599C>G (p.Ser200Cys)

Gene: DARS1 (aspartyl-tRNA synthetase 1; minus strand). Cytogenetic location: 2q21.3.
Variant type: single nucleotide variant.
Coding change: c.599C>G on transcript NM_001349.4 (MANE Select); coding-DNA position 599, C replaced by G.
Protein change: p.Ser200Cys; replaces serine 200 with cysteine.
Molecular consequence: missense variant.
Genome position (GRCh38, 1-based): chr2:135,924,464, G>C on the plus strand (C>G on the coding strand, the complement: DARS1 is on the minus strand). VCF-style: chr2-135924464-G-C. GRCh37 (hg19) VCF-style: chr2-136682034-G-C.
Other names: c.299C>G, p.Ser100Cys (NM_001293312.1); short protein forms S100C, S200C.
Identifiers: ClinVar variation 1682558 (VCV001682558.6), dbSNP rs771698175, ClinGen allele CA1889734.
Genomic context (GRCh38, chr2:135,924,464, plus strand): 5'-GTTTGGATTTCCACAAAACCTTTGTTAATTAAAGTTTCTCGGAAGAGATGGCAGATGCCA[G>C]ACTGGAGACGGAAGACTGCCTGACTAGTTGATGTCTAGAAGACAGTAATAAAATCTAATT-3'
Protein context (NP_001340.2, residues 190-210): STSQAVFRLQ[Ser200Cys]GICHLFRETL

ClinVar aggregate classification (germline): Uncertain significance (1 of 4 stars; one submission).

Allele frequency attached by ClinVar (database versions not stated): gnomAD exomes 0.00001 and 0.00002; ExAC 0.00002; TOPMed 0.00002; gnomAD 0.00004 and 0.00005.
gnomAD v4.1: 26 of 1,609,366 alleles (0.0016%); highest among the groups gnomAD compares: Admixed American, 0.0017%; 1 homozygote.

Submission:

Labcorp Genetics (formerly Invitae), Labcorp
Classification: Uncertain significance. Last evaluated: 2022-03-22. Review status: criteria provided, single submitter. Criteria: Invitae Variant Classification Sherloc (09022015). Collection method: clinical testing. Allele origin: germline.
Comment: This variant is present in population databases (rs771698175, gnomAD 0.05%). This sequence change replaces serine, which is neutral and polar, with cysteine, which is neutral and slightly polar, at codon 200 of the DARS protein (p.Ser200Cys). This missense change has been observed in individual(s) with hypomyelination with brainstem and spinal cord involvement and leg spasticity (PMID: 25527264). In summary, the available evidence is currently insufficient to determine the role of this variant in disease. Therefore, it has been classified as a Variant of Uncertain Significance. Algorithms developed to predict the effect of missense changes on protein structure and function are either unavailable or do not agree on the potential impact of this missense change (SIFT: "Deleterious"; PolyPhen-2: "Possibly Damaging"; Align-GVGD: "Class C0").

Literature cited by the submitters: PubMed 25527264.